The following is an entry in ClinVar:

ClinVar aggregate classification (germline): Pathogenic (1 of 4 stars; one submission).

Submission:

Labcorp Genetics (formerly Invitae), Labcorp
Classification: Pathogenic. Last evaluated: 2020-11-26. Review status: criteria provided, single submitter. Criteria: Invitae Variant Classification Sherloc (09022015). Collection method: clinical testing. Allele origin: germline.
Comment: For these reasons, this variant has been classified as Pathogenic. This variant has not been reported in the literature in individuals with SLC22A12-related conditions. This variant is not present in population databases (ExAC no frequency). This sequence change creates a premature translational stop signal (p.Thr248Lysfs*68) in the SLC22A12 gene. It is expected to result in an absent or disrupted protein product. Loss-of-function variants in SLC22A12 are known to be pathogenic (PMID: 14694169).

Literature cited by the submitters: PubMed 14694169.

NM_144585.4(SLC22A12):c.743del (p.Thr248fs)

Gene: SLC22A12 (solute carrier family 22 member 12; plus strand). Cytogenetic location: 11q13.1.
Variant type: Deletion.
Coding change: c.743del on transcript NM_144585.4 (MANE Select); coding-DNA position 743, one base deleted (C; older notation c.743delC).
Protein change: p.Thr248fs; shifts the reading frame from threonine 248.
Molecular consequence: frameshift variant. On other transcripts: intron variant (1).
Genome position (GRCh38, 1-based): chr11:64,593,716, C deleted. VCF-style (leftmost placement, unchanged base first): chr11-64593715-AC-A. GRCh37 (hg19) VCF-style: chr11-64361187-AC-A.
Other names: c.641del, p.Thr214fs (NM_001276326.2); c.80del, p.Thr27fs (NM_153378.3); c.506+834del (NM_001276327.2); short protein forms T214fs, T248fs, T27fs.
Identifiers: ClinVar variation 1356316 (VCV001356316.6), dbSNP rs2135445164, ClinGen allele CA2573147408.